The following is an entry in ClinVar:

NM_014714.4(IFT140):c.438_440del (p.His146_Glu147delinsGln)

Genes: IFT140 (intraflagellar transport 140; minus strand), LOC105371046 (uncharacterized LOC105371046; plus strand). Cytogenetic location: 16p13.3.
Variant type: Deletion.
Coding change: c.438_440del on transcript NM_014714.4 (MANE Select); coding-DNA positions 438 to 440, 3 bases deleted (CGA; older notation c.438_440delCGA).
Protein change: p.His146_Glu147delinsGln.
Molecular consequence: inframe indel.
Genome position (GRCh38, 1-based): chr16:1,592,518-1,592,520, TCG deleted on the plus strand (CGA on the coding strand, the reverse complement: IFT140 is on the minus strand); deleting any 3 consecutive bases within chr16:1,592,518-1,592,521 gives the same sequence; the c. name uses the placement nearest the transcript's 3' end. VCF-style (leftmost placement, unchanged base first): chr16-1592517-CTCG-C. GRCh37 (hg19) VCF-style: chr16-1642518-CTCG-C.
Identifiers: ClinVar variation 2185861 (VCV002185861.3), dbSNP rs1309374302, ClinGen allele CA718462675.

ClinVar aggregate classification (germline): Uncertain significance. Review status: criteria provided, single submitter (1 of 4 stars). 2 submissions from 2 submitters: Uncertain significance (1). 1 of the submissions does not count toward it. Last evaluated 2026-02-01.

Conditions:
Retinal dystrophy. Also called: Inherited retinal dystrophy. Identifiers: Orphanet 71862, MedGen C0854723, MeSH D058499, MONDO:0019118, HP:0000556.
Saldino-Mainzer syndrome (SRTD9). Also called: short-rib thoracic dysplasia 9 with or without polydactyly; CONORENAL SYNDROME; Renal dysplasia, retinal pigmentary dystrophy, cerebellar ataxia and skeletal dysplasia; SHORT-RIB THORACIC DYSPLASIA 9 WITHOUT POLYDACTYLY. Identifiers: Orphanet 140969, MedGen C1849437, MONDO:0009964, OMIM 266920.

Submissions (2):

Labcorp Genetics (formerly Invitae), Labcorp
Classification: Uncertain significance for Saldino-Mainzer syndrome. Last evaluated: 2026-02-01. Review status: criteria provided, single submitter. Criteria: Invitae Variant Classification Sherloc (09022015). Collection method: clinical testing. Allele origin: germline.
Comment: This variant, c.438_440del, is a complex sequence change that results in the deletion of 2 and insertion of 1 amino acid(s) in the IFT140 protein (p.His146_Glu147delinsGln). This variant is not present in population databases (gnomAD no frequency). This variant has not been reported in the literature in individuals affected with IFT140-related conditions. ClinVar contains an entry for this variant (Variation ID: 2185861). Experimental studies and prediction algorithms are not available or were not evaluated, and the functional significance of this variant is currently unknown. In summary, the available evidence is currently insufficient to determine the role of this variant in disease. Therefore, it has been classified as a Variant of Uncertain Significance.

Institute of Human Genetics, Univ. Regensburg, Univ. Regensburg
Classification: Uncertain significance for Retinal dystrophy. Last evaluated: 2022-01-01. Review status: no assertion criteria provided. Criteria: ACMG Guidelines, 2015. Collection method: clinical testing. Allele origin: germline. Affected: yes. Not counted in ClinVar's aggregate classification.